The following is an entry in ClinVar:

ClinVar aggregate classification (germline): Uncertain significance (1 of 4 stars; one submission).

Conditions:
Early-infantile DEE. Also called: Early infantile epileptic encephalopathy; Ohtahara syndrome; Early infantile epileptic encephalopathy with suppression bursts. Identifiers: Orphanet 1934, MedGen C0393706, MONDO:0800491.

Submission:

Labcorp Genetics (formerly Invitae), Labcorp
Classification: Uncertain significance for Early-infantile DEE. Last evaluated: 2021-12-02. Review status: criteria provided, single submitter. Criteria: Invitae Variant Classification Sherloc (09022015). Collection method: clinical testing. Allele origin: germline.
Comment: This sequence change replaces glutamic acid, which is acidic and polar, with alanine, which is neutral and non-polar, at codon 2181 of the SPTAN1 protein (p.Glu2181Ala). This variant is not present in population databases (gnomAD no frequency). This variant has not been reported in the literature in individuals affected with SPTAN1-related conditions. Algorithms developed to predict the effect of missense changes on protein structure and function (SIFT, PolyPhen-2, Align-GVGD) all suggest that this variant is likely to be disruptive. In summary, the available evidence is currently insufficient to determine the role of this variant in disease. Therefore, it has been classified as a Variant of Uncertain Significance.

NM_001130438.3(SPTAN1):c.6542A>C (p.Glu2181Ala)

Gene: SPTAN1 (spectrin alpha, non-erythrocytic 1; plus strand). Cytogenetic location: 9q34.11.
Variant type: single nucleotide variant.
Coding change: c.6542A>C on transcript NM_001130438.3 (MANE Select); coding-DNA position 6542, A replaced by C.
Protein change: p.Glu2181Ala; replaces glutamic acid 2181 with alanine.
Molecular consequence: missense variant.
Genome position (GRCh38, 1-based): chr9:128,626,653, A>C. VCF-style: chr9-128626653-A-C. GRCh37 (hg19) VCF-style: chr9-131388932-A-C.
Other names: c.6467A>C, p.Glu2156Ala (NM_001195532.2); c.6542A>C, p.Glu2181Ala (NM_001363759.2, NM_001375310.1, NM_001375311.2 and 1 more transcripts); c.6482A>C, p.Glu2161Ala (NM_001363765.2, NM_001375314.2); c.6578A>C, p.Glu2193Ala (NM_001375312.2, NM_001375318.1); c.6527A>C, p.Glu2176Ala (NM_003127.4); short protein forms E2181A, E2193A, E2161A, E2156A, E2176A.
Identifiers: ClinVar variation 1461307 (VCV001461307.9), dbSNP rs760925342, ClinGen allele CA375089736.